The following is an entry in ClinVar:

NM_001032283.3(TMPO):c.565+1639A>G

Gene: TMPO (thymopoietin; plus strand). Cytogenetic location: 12q23.1.
Variant type: single nucleotide variant.
Coding change: c.565+1639A>G on transcript NM_001032283.3 (MANE Select); 1639 bases into the intron after coding-DNA position 565, A replaced by G.
Molecular consequence: intron variant. On other transcripts: missense variant (1).
Genome position (GRCh38, 1-based): chr12:98,533,477, A>G. VCF-style: chr12-98533477-A-G. GRCh37 (hg19) VCF-style: chr12-98927255-A-G.
Other names: c.1220A>G, p.Asn407Ser (NM_003276.2); c.565+1639A>G (NM_001307975.2, NM_001032284.3); short protein forms N407S.
Identifiers: ClinVar variation 4865764 (VCV004865764.1).

ClinVar aggregate classification (germline): Uncertain significance (1 of 4 stars; one submission).

Submission:

Ambry Genetics
Classification: Uncertain significance. Last evaluated: 2026-04-27. Review status: criteria provided, single submitter. Criteria: Ambry Variant Classification Scheme 2023. Collection method: clinical testing. Allele origin: germline.
Comment: The p.N407S variant (also known as c.1220A>G), located in coding exon 4 of the TMPO gene, results from an A to G substitution at nucleotide position 1220. The asparagine at codon 407 is replaced by serine, an amino acid with highly similar properties. This amino acid position is conserved. In addition, this alteration is predicted to be tolerated by in silico analysis. Based on the available evidence, the clinical significance of this variant remains unclear.